The following is an entry in ClinVar:

NM_000187.4(HGD):c.119A>C (p.Tyr40Ser)

Gene: HGD (homogentisate 1,2-dioxygenase; minus strand). Cytogenetic location: 3q13.33.
Variant type: single nucleotide variant.
Coding change: c.119A>C on transcript NM_000187.4 (MANE Select); coding-DNA position 119, A replaced by C.
Protein change: p.Tyr40Ser; replaces tyrosine 40 with serine.
Molecular consequence: missense variant.
Genome position (GRCh38, 1-based): chr3:120,674,958, T>G on the plus strand (A>C on the coding strand, the complement: HGD is on the minus strand). VCF-style: chr3-120674958-T-G. GRCh37 (hg19) VCF-style: chr3-120393805-T-G.
Other names: short protein forms Y40S.
Identifiers: ClinVar variation 2626852 (VCV002626852.2), dbSNP rs747899770, ClinGen allele CA354082126.
Genomic context (GRCh38, chr3:120,674,958, plus strand): 5'-TACCTTCTCTTATTGGTGCTCCGTGGACAAGTGAAAGCCGATCCTGAGAGCTGCTCAGCA[T>G]AGAGATTGTAGGGGCAGACCTGAGGATTATTCTGAAACAAAGGATGCAATAAACAATATT-3'
Protein context (NP_000178.2, residues 30-50): NNPQVCPYNL[Tyr40Ser]AEQLSGSAFT

ClinVar aggregate classification (germline): Uncertain significance. Review status: criteria provided, single submitter (1 of 4 stars). 2 submissions from 2 submitters: Uncertain significance (1). 1 of the submissions does not count toward it. Last evaluated 2026-03-09.

Conditions:
Alkaptonuria (AKU). Also called: Alcaptonuria; HOMOGENTISIC ACID OXIDASE DEFICIENCY; Homogentisic acidura; Alkaptonuric ochronosis. Identifiers: Orphanet 56, MedGen C0002066, MONDO:0008753, OMIM 203500.

Submissions (2):

Myriad Genetics, Inc.
Classification: Uncertain significance for Alkaptonuria. Last evaluated: 2026-03-09. Review status: criteria provided, single submitter. Criteria: Myriad Autosomal Dominant, Autosomal Recessive and X-Linked Classification Criteria (2023). Collection method: clinical testing. Allele origin: unknown.
Comment: NM_000187.3(HGD):c.119A>C(Y40S) is a missense variant classified as a variant of uncertain significance in the context of alkaptonuria. Y40S has been observed in a case with relevant disease (PMID: 25804398). Relevant functional assessments of this variant are not available in the literature. Y40S has not been observed in referenced population frequency databases. In summary, there is insufficient evidence to classify NM_000187.3(HGD):c.119A>C(Y40S) as pathogenic or benign. Please note: this variant was assessed in the context of healthy population screening.

Department Of Human Genetics, Institute Of Clinical And Translational Research, Biomedical Research Center, Slovak Academy Of Sciences
Classification: Pathogenic for Alkaptonuria. Review status: no assertion criteria provided. Collection method: research. Allele origin: germline. Inheritance: Autosomal recessive inheritance. Affected: yes. Observed: 1 variant allele. Not counted in ClinVar's aggregate classification.
Comment: The variant was originally described in AKU patient in PMID:25804398. It has been submitted to the HGD gene mutation database (DB-ID: AKU_00160).

Literature cited by the submitters: PubMed 25804398 (cited by Myriad Genetics, Inc. and Department Of Human Genetics, Institute Of Clinical And Translational Research, Biomedical Research Center, Slovak Academy Of Sciences).